The following is an entry in ClinVar:

NM_001492.6(GDF1):c.925T>C (p.Ser309Pro)

Genes: CERS1 (ceramide synthase 1; minus strand), GDF1 (growth differentiation factor 1; minus strand). Cytogenetic location: 19p13.11.
Variant type: single nucleotide variant.
Coding change: c.925T>C on transcript NM_001492.6 (MANE Select); coding-DNA position 925, T replaced by C.
Protein change: p.Ser309Pro; replaces serine 309 with proline.
Molecular consequence: missense variant. On other transcripts: 3 prime UTR variant (2).
Genome position (GRCh38, 1-based): chr19:18,868,791, A>G on the plus strand (T>C on the coding strand, the complement: GDF1 is on the minus strand). VCF-style: chr19-18868791-A-G. GRCh37 (hg19) VCF-style: chr19-18979600-A-G.
Other names: c.925T>C (NM_001492.4); c.*1786T>C (NM_001387440.1); c.*1194T>C (NM_021267.5); c.925T>C, p.Ser309Pro (NM_001387438.1); short protein forms S309P.
Identifiers: ClinVar variation 220404 (VCV000220404.15), dbSNP rs864622513, ClinGen allele CA349718.

ClinVar aggregate classification (germline): Conflicting classifications of pathogenicity. Review status: criteria provided, conflicting classifications (1 of 4 stars). 5 submissions from 5 submitters: Uncertain significance (1); Likely benign (3). 1 of the submissions does not count toward it. Last evaluated 2026-06-01.

Conditions:
GDF1-related disorder. Also called: GDF1-related condition.

Allele frequency attached by ClinVar (database versions not stated): gnomAD exomes 0.00011 and 0.00106; gnomAD 0.00012; TOPMed 0.00030; 1000 Genomes Project 30x 0.00031.
gnomAD v4.1: 166 of 1,461,894 alleles (0.011%); highest among the groups gnomAD compares: Admixed American, 0.35%; 2 homozygotes.

Submissions (5):

CeGaT Center for Human Genetics Tuebingen
Classification: Likely benign. Last evaluated: 2026-06-01. Review status: criteria provided, single submitter. Criteria: CeGaT Center For Human Genetics Tuebingen Variant Classification Criteria Version 2. Collection method: clinical testing. Allele origin: germline. Affected: yes. Observed: 1 variant allele.
Comment: GDF1: BP4, BS2

Labcorp Genetics (formerly Invitae), Labcorp
Classification: Likely benign. Last evaluated: 2026-01-02. Review status: criteria provided, single submitter. Criteria: Invitae Variant Classification Sherloc (09022015). Collection method: clinical testing. Allele origin: germline.

GeneDx
Classification: Uncertain significance. Last evaluated: 2023-10-17. Review status: criteria provided, single submitter. Criteria: GeneDx Variant Classification Process June 2021. Collection method: clinical testing. Allele origin: germline. Affected: yes.
Comment: Observed in a patient with tetralogy of Fallot, ventricular septal defect, aortic root dilatation, and bicuspid stenotic pulmonary valve stenosis (Karkera et al., 2007); In silico analysis supports that this missense variant does not alter protein structure/function; This variant is associated with the following publications: (PMID: 19553149, 17924340)

Women's Health and Genetics/Laboratory Corporation of America, LabCorp
Classification: Likely benign. Last evaluated: 2023-07-18. Review status: criteria provided, single submitter. Criteria: LabCorp Variant Classification Summary - May 2015. Collection method: clinical testing. Allele origin: germline.

PreventionGenetics, part of Exact Sciences
Classification: Uncertain significance for GDF1-related condition. Last evaluated: 2023-11-27. Review status: no assertion criteria provided. Collection method: clinical testing. Allele origin: germline. Not counted in ClinVar's aggregate classification.
Comment: The GDF1 c.925T>C variant is predicted to result in the amino acid substitution p.Ser309Pro. This variant, which was reported as p.S56P, has previously been identified in one individual with tetralogy of Fallot, aortic root dilation, and pulmonary valve stenosis and functional studies in zebrafish found a reduction in TGFβ signaling compared to controls (Karkera et al. 2007. PubMed ID: 17924340). This variant is reported in 0.57% of alleles in individuals of Latino descent in gnomAD; however, quality metrics at this site indicates the frequency estimate may not be reliable. Although we suspect that this variant may be benign, at this time, the clinical significance of this variant is uncertain due to the absence of conclusive functional and genetic evidence.